The following is an entry in ClinVar:

ClinVar aggregate classification (germline): Uncertain significance (1 of 4 stars; one submission).

Conditions:
Hereditary cancer-predisposing syndrome. Also called: Neoplastic Syndromes, Hereditary; Tumor predisposition; Hereditary Cancer Syndrome; Hereditary neoplastic syndrome. Identifiers: Orphanet 140162, MedGen C0027672, MeSH D009386, MONDO:0015356.

gnomAD v4.1: 1 of 1,613,920 alleles (0.000062%); no homozygotes.

Submission:

Ambry Genetics
Classification: Uncertain significance for Hereditary cancer-predisposing syndrome. Last evaluated: 2016-12-28. Review status: criteria provided, single submitter. Criteria: Ambry Variant Classification Scheme 2023. Collection method: clinical testing. Allele origin: germline.
Comment: The p.Q445L variant (also known as c.1334A>T), located in coding exon 12 of the MRE11A gene, results from an A to T substitution at nucleotide position 1334. The glutamine at codon 445 is replaced by leucine, an amino acid with dissimilar properties. This amino acid position is highly conserved in available vertebrate species. In addition, the in silico prediction for this alteration is inconclusive. Since supporting evidence is limited at this time, the clinical significance of this alteration remains unclear.

NM_005591.4(MRE11):c.1334A>T (p.Gln445Leu)

Gene: MRE11 (MRE11 double strand break repair nuclease; minus strand). Cytogenetic location: 11q21.
Variant type: single nucleotide variant.
Coding change: c.1334A>T on transcript NM_005591.4 (MANE Select); coding-DNA position 1334, A replaced by T.
Protein change: p.Gln445Leu; replaces glutamine 445 with leucine.
Molecular consequence: missense variant.
Genome position (GRCh38, 1-based): chr11:94,459,574, T>A on the plus strand (A>T on the coding strand, the complement: MRE11 is on the minus strand). VCF-style: chr11-94459574-T-A. GRCh37 (hg19) VCF-style: chr11-94192740-T-A.
Other names: c.1334A>T, p.Gln445Leu (NM_001330347.2, NM_005590.4); short protein forms Q445L.
Identifiers: ClinVar variation 1799628 (VCV001799628.2), dbSNP rs371730091, ClinGen allele CA382372131.